The following is an entry in ClinVar:

ClinVar aggregate classification (germline): Likely benign. Review status: criteria provided, multiple submitters, no conflicts (2 of 4 stars). 5 submissions from 5 submitters: Likely benign (4). 1 of the submissions does not count toward it. Last evaluated 2026-08-24.

Conditions:
Oto-palato-digital syndrome, type II (OPD2). Also called: OPD II SYNDROME; Otopalatodigital Syndrome, Type II; Otopalatodigital Syndrome Type 2 (FLNA-OPD2); FACIOPALATOOSSEOUS SYNDROME. Identifiers: Orphanet 669, Orphanet 90652, MedGen C1844696, MONDO:0010571, OMIM 304120.
Frontometaphyseal dysplasia (FMD1). Identifiers: Orphanet 1826, MedGen C0265293, MONDO:0015942.
Heterotopia, periventricular, X-linked dominant (PVNH1). Also called: X-linked periventricular heterotopia; PERIVENTRICULAR NODULAR HETEROTOPIA 1; PERIVENTRICULAR NODULAR HETEROTOPIA 4; HETEROTOPIA, PERIVENTRICULAR, 1. Identifiers: Orphanet 2149, Orphanet 82004, MedGen C1848213, MONDO:0010233, OMIM 300049.
Melnick-Needles syndrome (MNS). Also called: MELNICK-NEEDLES OSTEODYSPLASTY; OSTEODYSPLASTY OF MELNICK AND NEEDLES; Melnick-Needles Syndrome (FLNA-MNS). Identifiers: Orphanet 2484, MedGen C0025237, MONDO:0010650, OMIM 309350.
Familial thoracic aortic aneurysm and aortic dissection (TAAD). Also called: Thoracic aortic aneurysms and dissections. Identifiers: Orphanet 91387, MedGen C4707243, MONDO:0019625.
FLNA-related disorder.

Allele frequency attached by ClinVar (database versions not stated): TOPMed 0.00001.
gnomAD v4.1: 4 of 1,210,189 alleles (0.00033%); highest among the groups gnomAD compares: South Asian, 0.0035%; no homozygotes.

Submissions (5):

Ambry Genetics
Classification: Likely benign for Familial thoracic aortic aneurysm and aortic dissection. Last evaluated: 2026-08-24. Review status: criteria provided, single submitter. Criteria: Ambry Variant Classification Scheme 2023. Collection method: clinical testing. Allele origin: germline.

Labcorp Genetics (formerly Invitae), Labcorp
Classification: Likely benign for Oto-palato-digital syndrome, type II; Heterotopia, periventricular, X-linked dominant; Frontometaphyseal dysplasia; Melnick-Needles syndrome. Last evaluated: 2024-02-20. Review status: criteria provided, single submitter. Criteria: Invitae Variant Classification Sherloc (09022015). Collection method: clinical testing. Allele origin: germline.

Blueprint Genetics
Classification: Likely benign. Last evaluated: 2019-10-10. Review status: criteria provided, single submitter. Criteria: ACMG Guidelines, 2015. Collection method: clinical testing. Allele origin: germline.

GeneDx
Classification: Likely benign. Last evaluated: 2016-01-28. Review status: criteria provided, single submitter. Criteria: GeneDx Variant Classification (06012015). Collection method: clinical testing. Allele origin: germline. Affected: yes.
Comment: This variant is considered likely benign or benign based on one or more of the following criteria: it is a conservative change, it occurs at a poorly conserved position in the protein, it is predicted to be benign by multiple in silico algorithms, and/or has population frequency not consistent with disease.

PreventionGenetics, part of Exact Sciences
Classification: Likely benign for FLNA-related condition. Last evaluated: 2021-10-01. Review status: no assertion criteria provided. Collection method: clinical testing. Allele origin: germline. Not counted in ClinVar's aggregate classification.
Comment: This variant is classified as likely benign based on ACMG/AMP sequence variant interpretation guidelines (Richards et al. 2015 PMID: 25741868, with internal and published modifications).

NM_001110556.2(FLNA):c.3153C>T (p.Pro1051=)

Gene: FLNA (filamin A; minus strand). Cytogenetic location: Xq28.
Variant type: single nucleotide variant.
Coding change: c.3153C>T on transcript NM_001110556.2 (MANE Select); coding-DNA position 3153, C replaced by T.
Protein change: p.Pro1051=; no amino-acid change (proline 1051 retained).
Molecular consequence: synonymous variant.
Genome position (GRCh38, 1-based): chrX:154,361,362, G>A on the plus strand (C>T on the coding strand, the complement: FLNA is on the minus strand). VCF-style: chrX-154361362-G-A. GRCh37 (hg19) VCF-style: chrX-153589730-G-A.
Other names: c.3153C>T (NM_001110556.1); c.3153C>T, p.Pro1051= (NM_001456.4).
Identifiers: ClinVar variation 377884 (VCV000377884.10), dbSNP rs782289085, ClinGen allele CA10560766.